The following is an entry in ClinVar:

ClinVar aggregate classification (germline): Conflicting classifications of pathogenicity. Review status: criteria provided, conflicting classifications (1 of 4 stars). 5 submissions from 5 submitters: Uncertain significance (4); Likely benign (1). Last evaluated 2025-03-26.

Conditions:
Inborn genetic diseases. Identifiers: MedGen C0950123, MeSH D030342.

Allele frequency attached by ClinVar (database versions not stated): gnomAD exomes 0.00005 and 0.00007; ExAC 0.00006; TOPMed 0.00008; gnomAD 0.00014 and 0.00015.

Submissions (5):

GeneDx
Classification: Uncertain significance. Last evaluated: 2025-03-26. Review status: criteria provided, single submitter. Criteria: GeneDx Variant Classification Process June 2021. Collection method: clinical testing. Allele origin: germline.
Comment: In silico analysis indicates that this missense variant does not alter protein structure/function; Has not been previously published as pathogenic or benign to our knowledge

Ambry Genetics
Classification: Uncertain significance for Inborn genetic diseases. Last evaluated: 2024-05-14. Review status: criteria provided, single submitter. Criteria: Ambry Variant Classification Scheme 2023. Collection method: clinical testing. Allele origin: germline.

Blueprint Genetics
Classification: Likely benign. Last evaluated: 2024-02-23. Review status: criteria provided, single submitter. Criteria: ACMG Guidelines, 2015. Collection method: clinical testing. Allele origin: germline.

Labcorp Genetics (formerly Invitae), Labcorp
Classification: Uncertain significance. Last evaluated: 2024-01-31. Review status: criteria provided, single submitter. Criteria: Invitae Variant Classification Sherloc (09022015). Collection method: clinical testing. Allele origin: germline.
Comment: This sequence change replaces glutamic acid, which is acidic and polar, with lysine, which is basic and polar, at codon 80 of the CIB2 protein (p.Glu80Lys). This variant is present in population databases (rs201372164, gnomAD 0.03%). This variant has not been reported in the literature in individuals affected with CIB2-related conditions. ClinVar contains an entry for this variant (Variation ID: 844404). An algorithm developed to predict the effect of missense changes on protein structure and function (PolyPhen-2) suggests that this variant is likely to be disruptive. In summary, the available evidence is currently insufficient to determine the role of this variant in disease. Therefore, it has been classified as a Variant of Uncertain Significance.

Revvity Omics, Revvity
Classification: Uncertain significance. Last evaluated: 2019-10-03. Review status: criteria provided, single submitter. Criteria: ACMG Guidelines, 2015. Collection method: clinical testing. Allele origin: germline.

NM_006383.4(CIB2):c.238G>A (p.Glu80Lys)

Gene: CIB2 (calcium and integrin binding family member 2; minus strand). Cytogenetic location: 15q25.1.
Variant type: single nucleotide variant.
Coding change: c.238G>A on transcript NM_006383.4 (MANE Select); coding-DNA position 238, G replaced by A.
Protein change: p.Glu80Lys; replaces glutamic acid 80 with lysine.
Molecular consequence: missense variant. On other transcripts: non-coding transcript variant (1).
Genome position (GRCh38, 1-based): chr15:78,109,343, C>T on the plus strand (G>A on the coding strand, the complement: CIB2 is on the minus strand). VCF-style: chr15-78109343-C-T. GRCh37 (hg19) VCF-style: chr15-78401685-C-T.
Other names: c.109G>A, p.Glu37Lys (NM_001271888.2); c.91G>A, p.Glu31Lys (NM_001271889.2); c.253G>A, p.Glu85Lys (NM_001301224.2); c.238G>A (NM_006383.2); short protein forms E80K, E31K, E85K, E37K.
Identifiers: ClinVar variation 844404 (VCV000844404.11), dbSNP rs201372164, ClinGen allele CA7680259.
Genomic context (GRCh38, chr15:78,109,343, plus strand): 5'-CGCAGAGCACGGAAAACATGTCCACAAAGTCGTTGAAAGTGAGGTTCCCCTCACCATCCT[C>T]GGAAAACGCCGCCACGATCCTTTCTTTGAAGGGATTCTCCTGAAGAAAACACACACAGCA-3'
Protein context (NP_006374.1, residues 70-90): FKERIVAAFS[Glu80Lys]DGEGNLTFND